The following is an entry in ClinVar:

NM_052867.4(NALCN):c.4752_4753del (p.Arg1584fs)

Gene: NALCN (sodium leak channel, non-selective; minus strand). Cytogenetic location: 13q32.3.
Variant type: Microsatellite.
Coding change: c.4752_4753del on transcript NM_052867.4 (MANE Select); coding-DNA positions 4752 to 4753, 2 bases deleted (AG; older notation c.4752_4753delAG).
Protein change: p.Arg1584fs; shifts the reading frame from arginine 1584.
Molecular consequence: frameshift variant.
Genome position (GRCh38, 1-based): chr13:101,061,970-101,061,971, CT deleted on the plus strand (AG on the coding strand, the reverse complement: NALCN is on the minus strand); deleting any 2 consecutive bases within chr13:101,061,970-101,061,973 gives the same sequence; the c. name uses the placement nearest the transcript's 3' end. VCF-style (leftmost placement, unchanged base first): chr13-101061969-GCT-G. GRCh37 (hg19) VCF-style: chr13-101714321-GCT-G.
Other names: c.4839_4840del, p.Arg1613fs (NM_001350748.2); c.4752_4753del, p.Arg1584fs (NM_001350749.2); c.4665_4666del, p.Arg1555fs (NM_001350750.2, NM_001350751.2); c.4752_4753delAG (NM_052867.2); c.4752_4753del (NM_052867.2); short protein forms R1584fs, R1613fs, R1555fs.
Identifiers: ClinVar variation 423000 (VCV000423000.3), dbSNP rs1064796154, ClinGen allele CA16619607.
Genomic context (GRCh38, chr13:101,061,969, plus strand): 5'-CCTGCGGGGCAGGGCGGGGCGGGGCGGGGACCCAACCTGCATGTGTGCAGTTCACTCACA[GCT>G]CTGATGCGCTTCAGGCACTTCTTGAGCCACATGCGGATGGTCTGCTTGGCCACCTCCTCC-3'

ClinVar aggregate classification (germline): Pathogenic (1 of 4 stars; one submission).

Submission:

GeneDx
Classification: Pathogenic. Last evaluated: 2023-02-24. Review status: criteria provided, single submitter. Criteria: GeneDx Variant Classification Process June 2021. Collection method: clinical testing. Allele origin: germline. Affected: yes.
Comment: Frameshift variant predicted to result in protein truncation or nonsense mediated decay in a gene for which loss of function is a known mechanism of disease; Not observed at significant frequency in large population cohorts (gnomAD); Has not been previously published as pathogenic or benign to our knowledge